The following is an entry in ClinVar:

ClinVar aggregate classification (germline): Uncertain significance (1 of 4 stars; one submission).

Conditions:
EGFR-related lung cancer (EGFR). Identifiers: MedGen CN130014.

Allele frequency attached by ClinVar (database versions not stated): ExAC 0.00001.
gnomAD v4.1: 3 of 1,614,148 alleles (0.00019%); highest among the groups gnomAD compares: Non-Finnish European, 0.00025%; no homozygotes.

Submission:

Labcorp Genetics (formerly Invitae), Labcorp
Classification: Uncertain significance for EGFR-related lung cancer. Last evaluated: 2023-01-22. Review status: criteria provided, single submitter. Criteria: Invitae Variant Classification Sherloc (09022015). Collection method: clinical testing. Allele origin: germline.
Comment: In summary, the available evidence is currently insufficient to determine the role of this variant in disease. Therefore, it has been classified as a Variant of Uncertain Significance. Variants that disrupt the consensus splice site are a relatively common cause of aberrant splicing (PMID: 17576681, 9536098). Algorithms developed to predict the effect of sequence changes on RNA splicing suggest that this variant is not likely to affect RNA splicing. This variant has not been reported in the literature in individuals affected with EGFR-related conditions. This variant is present in population databases (rs778075962, gnomAD 0.002%). This sequence change falls in intron 17 of the EGFR gene. It does not directly change the encoded amino acid sequence of the EGFR protein. It affects a nucleotide within the consensus splice site.

Literature cited by the submitters: PubMed 17576681; PubMed 9536098.

NM_005228.5(EGFR):c.2062-3C>T

Gene: EGFR (epidermal growth factor receptor; plus strand). Cytogenetic location: 7p11.2.
Variant type: single nucleotide variant.
Coding change: c.2062-3C>T on transcript NM_005228.5 (MANE Select); 3 bases into the intron before coding-DNA position 2062, C replaced by T.
Molecular consequence: intron variant.
Genome position (GRCh38, 1-based): chr7:55,173,918, C>T. VCF-style: chr7-55173918-C-T. GRCh37 (hg19) VCF-style: chr7-55241611-C-T.
Other names: c.1927-3C>T (NM_001346899.2, NM_001346897.2); c.1261-3C>T (NM_001346941.2); c.2062-3C>T (NM_001346898.2); c.1903-3C>T (NM_001346900.2).
Identifiers: ClinVar variation 3008329 (VCV003008329.3), dbSNP rs778075962, ClinGen allele CA4265975.
Genomic context (GRCh38, chr7:55,173,918, plus strand): 5'-CACTGCTTTCCAGCATGGTGAGGGCTGAGGTGACCCTTGTCTCTGTGTTCTTGTCCCCCC[C>T]AGCTTGTGGAGCCTCTTACACCCAGTGGAGAAGCTCCCAACCAAGCTCTCTTGAGGATCT-3'